The following is an entry in ClinVar:

NM_178229.5(IQGAP3):c.4644G>C (p.Leu1548Phe)

Gene: IQGAP3 (IQ motif containing GTPase activating protein 3; minus strand). Cytogenetic location: 1q22.
Variant type: single nucleotide variant.
Coding change: c.4644G>C on transcript NM_178229.5 (MANE Select); coding-DNA position 4644, G replaced by C.
Protein change: p.Leu1548Phe; replaces leucine 1548 with phenylalanine.
Molecular consequence: missense variant.
Genome position (GRCh38, 1-based): chr1:156,528,538, C>G on the plus strand (G>C on the coding strand, the complement: IQGAP3 is on the minus strand). VCF-style: chr1-156528538-C-G. GRCh37 (hg19) VCF-style: chr1-156498330-C-G.
Other names: short protein forms L1548F.
Identifiers: ClinVar variation 2817288 (VCV002817288.3), dbSNP rs1674222106, ClinGen allele CA342850941.
Genomic context (GRCh38, chr1:156,528,538, plus strand): 5'-GGCTGACATCCTGCCCTCCAAAGACACATACTGAGAGGCGGGAAGATCTTCAATTTCCAC[C>G]AAGACACCCTTTTCCAGGAGCTGAGCAGCAGTGTAATGAAGAGAAGGCTGCTTCTTCCCC-3'
Protein context (NP_839943.3, residues 1538-1558): TAAQLLEKGV[Leu1548Phe]VEIEDLPASH

ClinVar aggregate classification (germline): Uncertain significance (1 of 4 stars; one submission).

gnomAD v4.1: 7 of 1,614,050 alleles (0.00043%); highest among the groups gnomAD compares: Non-Finnish European, 0.00051%; no homozygotes.

Submission:

Labcorp Genetics (formerly Invitae), Labcorp
Classification: Uncertain significance. Last evaluated: 2022-12-01. Review status: criteria provided, single submitter. Criteria: Invitae Variant Classification Sherloc (09022015). Collection method: clinical testing. Allele origin: germline.
Comment: This sequence change replaces leucine, which is neutral and non-polar, with phenylalanine, which is neutral and non-polar, at codon 1548 of the IQGAP3 protein (p.Leu1548Phe). This variant is not present in population databases (gnomAD no frequency). This variant has not been reported in the literature in individuals affected with IQGAP3-related conditions. Algorithms developed to predict the effect of missense changes on protein structure and function are either unavailable or do not agree on the potential impact of this missense change (SIFT: "Deleterious"; PolyPhen-2: "Probably Damaging"; Align-GVGD: "Class C0"). Algorithms developed to predict the effect of sequence changes on RNA splicing suggest that this variant may create or strengthen a splice site. In summary, the available evidence is currently insufficient to determine the role of this variant in disease. Therefore, it has been classified as a Variant of Uncertain Significance.